The following is an entry in ClinVar:

ClinVar aggregate classification (germline): Uncertain significance. Review status: criteria provided, multiple submitters, no conflicts (2 of 4 stars). 3 submissions from 3 submitters: Uncertain significance (3). Last evaluated 2025-09-21.

Allele frequency attached by ClinVar (database versions not stated): gnomAD exomes below 0.00001; gnomAD 0.00001; TOPMed 0.00002.
gnomAD v4.1: 2 of 1,209,037 alleles (0.00017%); highest among the groups gnomAD compares: African/African-American, 0.0018%; no homozygotes.

Submissions (3):

Dasa
Classification: Uncertain significance. Last evaluated: 2025-09-21. Review status: criteria provided, single submitter. Criteria: DASA Assertion Criteria. Collection method: clinical testing. Allele origin: germline.
Comment: NM_001034853.2(RPGR):c.758A>G (p.Glu253Gly) is a missense variant that results in the substitution of glutamic acid with glycine. The affected residue or protein region has prior evidence supporting clinical relevance. This variant is rare in population databases. Computational prediction algorithms are consistent with a benign effect. The currently available literature and clinical evidence are not sufficient to establish a definitive association between this variant and the reported condition. Therefore, this variant is classified as a variant of uncertain significance.

GeneDx
Classification: Uncertain significance. Last evaluated: 2022-10-26. Review status: criteria provided, single submitter. Criteria: GeneDx Variant Classification Process June 2021. Collection method: clinical testing. Allele origin: germline. Affected: yes.
Comment: Not observed at significant frequency in large population cohorts (gnomAD); In silico analysis supports that this missense variant does not alter protein structure/function; Has not been previously published as pathogenic or benign to our knowledge

PreventionGenetics, part of Exact Sciences
Classification: Uncertain significance. Last evaluated: 2018-10-22. Review status: criteria provided, single submitter. Criteria: ACMG Guidelines, 2015. Collection method: clinical testing. Allele origin: germline.

NM_001034853.2(RPGR):c.758A>G (p.Glu253Gly)

Gene: RPGR (retinitis pigmentosa GTPase regulator; minus strand). Cytogenetic location: Xp11.4.
Variant type: single nucleotide variant.
Coding change: c.758A>G on transcript NM_001034853.2 (MANE Select); coding-DNA position 758, A replaced by G.
Protein change: p.Glu253Gly; replaces glutamic acid 253 with glycine.
Molecular consequence: missense variant. On other transcripts: non-coding transcript variant (6).
Genome position (GRCh38, 1-based): chrX:38,310,635, T>C on the plus strand (A>G on the coding strand, the complement: RPGR is on the minus strand). VCF-style: chrX-38310635-T-C. GRCh37 (hg19) VCF-style: chrX-38169888-T-C.
Other names: c.758A>G, p.Glu253Gly (NM_000328.3, NM_001367246.1, NM_001367247.1 and 1 more transcripts); c.755A>G, p.Glu252Gly (NM_001367245.1, NM_001367249.1, NM_001367250.1); c.788A>G, p.Glu263Gly (NM_001367248.1); short protein forms E252G, E253G, E263G.
Identifiers: ClinVar variation 2430211 (VCV002430211.5), dbSNP rs963995545, ClinGen allele CA327935355.